The following is an entry in ClinVar:

NM_002529.4(NTRK1):c.511C>T (p.Pro171Ser)

Gene: NTRK1 (neurotrophic receptor tyrosine kinase 1; plus strand). Cytogenetic location: 1q23.1.
Variant type: single nucleotide variant.
Coding change: c.511C>T on transcript NM_002529.4 (MANE Select); coding-DNA position 511, C replaced by T.
Protein change: p.Pro171Ser; replaces proline 171 with serine.
Molecular consequence: missense variant.
Genome position (GRCh38, 1-based): chr1:156,868,186, C>T. VCF-style: chr1-156868186-C-T. GRCh37 (hg19) VCF-style: chr1-156837978-C-T.
Other names: c.421C>T, p.Pro141Ser (NM_001007792.1); c.511C>T, p.Pro171Ser (NM_001012331.2); short protein forms P141S, P171S.
Identifiers: ClinVar variation 1508742 (VCV001508742.3), dbSNP rs200655463, ClinGen allele CA1169006.
Genomic context (GRCh38, chr1:156,868,186, plus strand): 5'-CACTGTTCTTGTGCCCTGCGCTGGCTACAGCGCTGGGAGGAGGAGGGACTGGGCGGAGTG[C>T]CTGAACAGAAGCTGCAGTGTCATGGGCAAGGGCCCCTGGCCCACATGCCCAATGCCAGCT-3'
Protein context (NP_002520.2, residues 161-181): RWEEEGLGGV[Pro171Ser]EQKLQCHGQG

ClinVar aggregate classification (germline): Uncertain significance (1 of 4 stars; one submission).

Conditions:
Hereditary insensitivity to pain with anhidrosis (CIPA). Also called: HSAN Type IV; NEUROPATHY, CONGENITAL SENSORY, WITH ANHIDROSIS; NTRK1 Congenital Insensitivity to Pain with Anhidrosis; hereditary sensory and autonomic neuropathy type 4; FAMILIAL DYSAUTONOMIA, TYPE II; INSENSITIVITY TO PAIN, CONGENITAL, WITH ANHIDROSIS. Identifiers: Orphanet 642, MedGen C0020074, MONDO:0009746, OMIM 256800.

gnomAD v4.1: 10 of 1,613,504 alleles (0.00062%); highest among the groups gnomAD compares: Non-Finnish European, 0.00085%; no homozygotes.

Submission:

Labcorp Genetics (formerly Invitae), Labcorp
Classification: Uncertain significance for Hereditary insensitivity to pain with anhidrosis. Last evaluated: 2021-09-27. Review status: criteria provided, single submitter. Criteria: Invitae Variant Classification Sherloc (09022015). Collection method: clinical testing. Allele origin: germline.
Comment: This sequence change replaces proline with serine at codon 171 of the NTRK1 protein (p.Pro171Ser). The proline residue is weakly conserved and there is a moderate physicochemical difference between proline and serine. This variant is present in population databases (rs200655463, ExAC 0.002%). This variant has not been reported in the literature in individuals with NTRK1-related conditions. Advanced modeling of protein sequence and biophysical properties (such as structural, functional, and spatial information, amino acid conservation, physicochemical variation, residue mobility, and thermodynamic stability) performed at Invitae indicates that this missense variant is not expected to disrupt NTRK1 protein function. In summary, the available evidence is currently insufficient to determine the role of this variant in disease. Therefore, it has been classified as a Variant of Uncertain Significance.